The following is an entry in ClinVar:

ClinVar aggregate classification (germline): Conflicting classifications of pathogenicity. Review status: criteria provided, conflicting classifications (1 of 4 stars). 3 submissions from 3 submitters: Uncertain significance (2); Benign (1). Last evaluated 2025-01-15.

Conditions:
Cardiovascular phenotype. Identifiers: MedGen CN230736.
Dilated cardiomyopathy 1DD (CMD1DD). Identifiers: Orphanet 154, MedGen C2750995, MONDO:0013168, OMIM 613172.

Allele frequency attached by ClinVar (database versions not stated): TOPMed below 0.00001; gnomAD 0.00002.
gnomAD v4.1: 3 of 1,551,140 alleles (0.00019%); highest among the groups gnomAD compares: African/African-American, 0.0041%; no homozygotes.

Submissions (3):

GeneDx
Classification: Uncertain significance. Last evaluated: 2025-01-15. Review status: criteria provided, single submitter. Criteria: GeneDx Variant Classification Process June 2021. Collection method: clinical testing. Allele origin: germline. Affected: yes.
Comment: Not observed at significant frequency in large population cohorts (gnomAD); In silico analysis supports that this missense variant has a deleterious effect on protein structure/function; Has not been previously published as pathogenic or benign to our knowledge

Labcorp Genetics (formerly Invitae), Labcorp
Classification: Benign for Dilated cardiomyopathy 1DD. Last evaluated: 2025-01-08. Review status: criteria provided, single submitter. Criteria: Invitae Variant Classification Sherloc (09022015). Collection method: clinical testing. Allele origin: germline.

Ambry Genetics
Classification: Uncertain significance for Cardiovascular phenotype. Last evaluated: 2022-06-30. Review status: criteria provided, single submitter. Criteria: Ambry Variant Classification Scheme 2023. Collection method: clinical testing. Allele origin: germline.

NM_001134363.3(RBM20):c.2399A>T (p.Asp800Val)

Gene: RBM20 (RNA binding motif protein 20; plus strand). Cytogenetic location: 10q25.2.
Variant type: single nucleotide variant.
Coding change: c.2399A>T on transcript NM_001134363.3 (MANE Select); coding-DNA position 2399, A replaced by T.
Protein change: p.Asp800Val; replaces aspartic acid 800 with valine.
Molecular consequence: missense variant.
Genome position (GRCh38, 1-based): chr10:110,812,796, A>T. VCF-style: chr10-110812796-A-T. GRCh37 (hg19) VCF-style: chr10-112572554-A-T.
Other names: short protein forms D800V.
Identifiers: ClinVar variation 2299562 (VCV002299562.5), dbSNP rs1219484408, ClinGen allele CA378373786.
Genomic context (GRCh38, chr10:110,812,796, plus strand): 5'-GGAGGTCCAGGAGGAAAGACGAGGCCAGGCTGCGGGAAAGCAGACACCCCCATCCGGATG[A>T]CTCAGGCAAGGAAGATGGGCTGGGGCCAAAGGTCACTAGGGCCCCTGAGGGCGCCAAGGC-3'
Protein context (NP_001127835.2, residues 790-810): LRESRHPHPD[Asp800Val]SGKEDGLGPK